The following is an entry in ClinVar:

ClinVar aggregate classification (germline): Likely pathogenic. Review status: criteria provided, multiple submitters, no conflicts (2 of 4 stars). 2 submissions from 2 submitters: Likely pathogenic (2). Last evaluated 2023-05-31.
ClinVar aggregate classification (oncogenicity): Likely oncogenic (1 of 4 stars; one submission).

Conditions:
Inborn genetic diseases. Identifiers: MedGen C0950123, MeSH D030342.
Neoplasm. Also called: tumor; Neoplasms; Neoplasm (disease). Identifiers: MedGen C0027651, MeSH D009369, MONDO:0005070, HP:0002664.

Submissions (4):

Center for Genomic Medicine, Rigshospitalet, Copenhagen University Hospital
Classification: Likely oncogenic for Neoplasm. Last evaluated: 2025-03-04. Review status: criteria provided, single submitter. Criteria: ClinGen/CGC/VICC Guidelines for Oncogenicity, 2022. Collection method: clinical testing. Allele origin: somatic. Affected: yes.

Ambry Genetics
Classification: Likely pathogenic for Inborn genetic diseases. Last evaluated: 2023-05-31. Review status: criteria provided, single submitter. Criteria: Ambry Variant Classification Scheme 2023. Collection method: clinical testing. Allele origin: germline.
Comment: The c.611+1G>A intronic alteration results from a G to A substitution one nucleotide after coding exon 5 of the USP7 gene. Alterations that disrupt the canonical splice site are expected to cause aberrant splicing, resulting in an abnormal protein or a transcript that is subject to nonsense-mediated mRNA decay. This variant was not reported in population-based cohorts in the Genome Aggregation Database (gnomAD). This nucleotide position is highly conserved in available vertebrate species. In silico splice site analysis predicts that this alteration will weaken the native splice donor site and will result in the creation or strengthening of a novel splice donor site. Based on the available evidence, this alteration is classified as likely pathogenic.

Labcorp Genetics (formerly Invitae), Labcorp
Classification: Likely pathogenic. Last evaluated: 2023-04-20. Review status: criteria provided, single submitter. Criteria: Invitae Variant Classification Sherloc (09022015). Collection method: clinical testing. Allele origin: germline.
Comment: This variant is not present in population databases (gnomAD no frequency). In summary, the currently available evidence indicates that the variant is pathogenic, but additional data are needed to prove that conclusively. Therefore, this variant has been classified as Likely Pathogenic. Algorithms developed to predict the effect of sequence changes on RNA splicing suggest that this variant may disrupt the consensus splice site. This variant has not been reported in the literature in individuals affected with USP7-related conditions. This sequence change affects a donor splice site in intron 5 of the USP7 gene. It is expected to disrupt RNA splicing. Variants that disrupt the donor or acceptor splice site typically lead to a loss of protein function (PMID: 16199547), and loss-of-function variants in USP7 are known to be pathogenic (PMID: 26365382).

Dr. Peter K. Rogan Lab, Western University
No classification provided (evidence only). Condition: Malignant tumor of urinary bladder. Review status: no classification provided. Collection method: in vitro. Allele origin: not applicable. Functional consequence: skipped exon, retained intron. Not counted in ClinVar's aggregate classification.

Literature cited by the submitters: PubMed 26365382 (cited by Center for Genomic Medicine, Rigshospitalet, Copenhagen University Hospital and Labcorp Genetics (formerly Invitae), Labcorp); PubMed 16199547 (cited by Labcorp Genetics (formerly Invitae), Labcorp).

NM_003470.3(USP7):c.611+1G>A

Gene: USP7 (ubiquitin specific peptidase 7; minus strand). Cytogenetic location: 16p13.2.
Variant type: single nucleotide variant.
Coding change: c.611+1G>A on transcript NM_003470.3 (MANE Select); the canonical splice donor site of the intron after coding-DNA position 611, G replaced by A.
Molecular consequence: splice donor variant.
Genome position (GRCh38, 1-based): chr16:8,920,358, C>T on the plus strand (G>A on the coding strand, the complement: USP7 is on the minus strand). VCF-style: chr16-8920358-C-T. GRCh37 (hg19) VCF-style: chr16-9014215-C-T.
Other names: c.437+1G>A (NM_001321858.2); c.563+1G>A (NM_001286457.2); c.314+1G>A (NM_001286458.2).
Identifiers: ClinVar variation 2537979 (VCV002537979.7), dbSNP rs2549246727, ClinGen allele CA394704439.